The following is an entry in ClinVar:

NM_033305.3(VPS13A):c.8653del (p.Tyr2885fs)

Gene: VPS13A (vacuolar protein sorting 13 homolog A; plus strand). Cytogenetic location: 9q21.2.
Variant type: Deletion.
Coding change: c.8653del on transcript NM_033305.3 (MANE Select); coding-DNA position 8653, one base deleted (T; older notation c.8653delT).
Protein change: p.Tyr2885fs; shifts the reading frame from tyrosine 2885.
Molecular consequence: frameshift variant.
Genome position (GRCh38, 1-based): chr9:77,369,398, T deleted; the last of 7 consecutive T bases (chr9:77,369,392-77,369,398); deleting any one gives the same sequence. VCF-style (leftmost placement, unchanged base first): chr9-77369391-AT-A. GRCh37 (hg19) VCF-style: chr9-79984307-AT-A.
Other names: c.8536del, p.Tyr2846fs (NM_001018037.2); c.8653del, p.Tyr2885fs (NM_001018038.3, NM_015186.4); short protein forms Y2846fs, Y2885fs.
Identifiers: ClinVar variation 4081820 (VCV004081820.1).

ClinVar aggregate classification (germline): Pathogenic (1 of 4 stars; one submission).

Conditions:
VPS13A-related neurodegenerative disease. Also called: LEVINE-CRITCHLEY SYNDROME; Choreoacanthocytosis; Chorea-acanthocytosis; VPS13A Disease; Choreaacanthocytosis; ACANTHOCYTOSIS WITH NEUROLOGIC DISORDER. Identifiers: Orphanet 2388, MedGen C0393576, MONDO:0008695, OMIM 200150.

Submission:

Myriad Genetics, Inc.
Classification: Pathogenic for VPS13A-related neurodegenerative disease. Last evaluated: 2025-05-18. Review status: criteria provided, single submitter. Criteria: Myriad Autosomal Dominant, Autosomal Recessive and X-Linked Classification Criteria (2023). Collection method: clinical testing. Allele origin: unknown.
Comment: NM_033305.2(VPS13A):c.8653delT(Y2885Mfs*20) is a frameshift variant classified as pathogenic in the context of VPS13A disease. Y2885Mfs*20 has not been observed in cases with relevant disease. Relevant functional assessments of this variant are not available in the literature. Y2885Mfs*20 has been observed in referenced population frequency databases. In summary, NM_033305.2(VPS13A):c.8653delT(Y2885Mfs*20) is a frameshift variant in a gene where loss of function is a known mechanism of disease and is predicted to disrupt protein function. Please note: this variant was assessed in the context of healthy population screening.